The following is an entry in ClinVar:

ClinVar aggregate classification (germline): Benign/Likely benign. Review status: criteria provided, multiple submitters, no conflicts (2 of 4 stars). 3 submissions from 3 submitters: Benign (1); Likely benign (1). 1 of the submissions does not count toward it. Last evaluated 2023-12-19.

Conditions:
FRMPD4-related disorder. Also called: FRMPD4-related condition.
Inborn genetic diseases. Identifiers: MedGen C0950123, MeSH D030342.

Allele frequency attached by ClinVar (database versions not stated): gnomAD exomes 0.00007; ExAC 0.00010; gnomAD 0.00018 and 0.00020; TOPMed 0.00019; ESP Exome Variant Server 0.00028.
gnomAD v4.1: 47 of 1,203,697 alleles (0.0039%); highest among the groups gnomAD compares: African/African-American, 0.056%; no homozygotes.

Submissions (3):

Ambry Genetics
Classification: Likely benign for Inborn genetic diseases. Last evaluated: 2023-12-19. Review status: criteria provided, single submitter. Criteria: Ambry Variant Classification Scheme 2023. Collection method: clinical testing. Allele origin: germline.

Labcorp Genetics (formerly Invitae), Labcorp
Classification: Benign. Last evaluated: 2018-08-24. Review status: criteria provided, single submitter. Criteria: Invitae Variant Classification Sherloc (09022015). Collection method: clinical testing. Allele origin: germline.

PreventionGenetics, part of Exact Sciences
Classification: Likely benign for FRMPD4-related condition. Last evaluated: 2022-11-21. Review status: no assertion criteria provided. Collection method: clinical testing. Allele origin: germline. Not counted in ClinVar's aggregate classification.
Comment: This variant is classified as likely benign based on ACMG/AMP sequence variant interpretation guidelines (Richards et al. 2015 PMID: 25741868, with internal and published modifications).

NM_001368397.1(FRMPD4):c.1736C>T (p.Thr579Met)

Gene: FRMPD4 (FERM and PDZ domain containing 4; plus strand). Cytogenetic location: Xp22.2.
Variant type: single nucleotide variant.
Coding change: c.1736C>T on transcript NM_001368397.1 (MANE Select); coding-DNA position 1736, C replaced by T.
Protein change: p.Thr579Met; replaces threonine 579 with methionine.
Molecular consequence: missense variant.
Genome position (GRCh38, 1-based): chrX:12,716,195, C>T. VCF-style: chrX-12716195-C-T. GRCh37 (hg19) VCF-style: chrX-12734314-C-T.
Other names: c.1847C>T, p.Thr616Met (NM_001368395.3, NM_001368398.3); c.1742C>T, p.Thr581Met (NM_001368396.3); c.1727C>T, p.Thr576Met (NM_001368399.3); c.1616C>T, p.Thr539Met (NM_001368400.3); c.1712C>T, p.Thr571Met (NM_001368401.1, NM_001368402.3); c.1736C>T, p.Thr579Met (NM_014728.3); short protein forms T539M, T571M, T576M, T579M, T581M, T616M.
Identifiers: ClinVar variation 764046 (VCV000764046.6), dbSNP rs149409320, ClinGen allele CA10349356.
Genomic context (GRCh38, chrX:12,716,195, plus strand): 5'-CCTTTATTGGCGAAGGGGAACAAGAAGCCCAGATAACATACATAGATTCAAAGCAGAAGA[C>T]GGTGGAGATCACAGACAGCACCATGTGTCCAAAAGAGCACCGGCACTTGTACATAGACAA-3'
Protein context (NP_001355326.1, residues 569-589): QITYIDSKQK[Thr579Met]VEITDSTMCP